The following is an entry in ClinVar:

ClinVar aggregate classification (germline): Pathogenic. Review status: criteria provided, multiple submitters, no conflicts (2 of 4 stars). 10 submissions from 10 submitters: Pathogenic (10). Last evaluated 2026-08-12.

Conditions:
Rare genetic deafness. Identifiers: Orphanet 96210, MedGen C5680250.
TMC1-related disorder. Also called: TMC1-related disorders; TMC1-related condition.
Autosomal recessive nonsyndromic hearing loss 7. Also called: DEAFNESS, AUTOSOMAL RECESSIVE 11. Identifiers: Orphanet 90636, MedGen C1832978, MONDO:0010967, OMIM 600974.
Autosomal dominant nonsyndromic hearing loss 36. Identifiers: Orphanet 90635, MedGen C1847626, MONDO:0011708, OMIM 606705.

Allele frequency attached by ClinVar (database versions not stated): ExAC 0.00002; TOPMed 0.00005; gnomAD 0.00006; gnomAD exomes 0.00007 and 0.00014; ESP Exome Variant Server 0.00008; 1000 Genomes Project 30x 0.00016; 1000 Genomes Project 0.00020.
gnomAD v4.1: 219 of 1,613,974 alleles (0.014%); highest among the groups gnomAD compares: Non-Finnish European, 0.017%; no homozygotes.

Submissions (10):

GeneDx
Classification: Pathogenic. Last evaluated: 2026-08-12. Review status: criteria provided, single submitter. Criteria: GeneDx Variant Classification Process June 2021. Collection method: clinical testing. Allele origin: germline.
Comment: Nonsense variant predicted to result in protein truncation or nonsense mediated decay in a gene for which loss of function is a known mechanism of disease; This variant is associated with the following publications: (PMID: 25525159, 15605408, 18259073, 31589614, 25560255, 29533536, 34523024, 33879512, 33352559, 21917145, 18616530, 34599366)

PreventionGenetics, part of Exact Sciences
Classification: Pathogenic for TMC1-related condition. Last evaluated: 2026-05-11. Review status: criteria provided, single submitter. Criteria: ACMG Guidelines, 2015. Collection method: clinical testing. Allele origin: germline.
Comment: The TMC1 c.1165C>T variant is predicted to result in premature protein termination (p.Arg389*). This variant has been reported to be causative for autosomal recessive nonsyndromic hearing loss (Meyer et al. 2005. PubMed ID: 15605408; Jiang et al. 2017. PubMed ID: 29533536; Nishio et al. 2021. PubMed ID: 34523024). This variant is reported in 0.012% of alleles in individuals of European (Non-Finnish) descent in gnomAD. Nonsense variants in TMC1 are expected to be pathogenic. This variant is interpreted as pathogenic.

CeGaT Center for Human Genetics Tuebingen
Classification: Pathogenic. Last evaluated: 2026-03-01. Review status: criteria provided, single submitter. Criteria: CeGaT Center For Human Genetics Tuebingen Variant Classification Criteria Version 2. Collection method: clinical testing. Allele origin: germline. Affected: yes. Observed: 1 variant allele.
Comment: TMC1: PVS1, PM3:Strong, PP1:Strong, PM2

Labcorp Genetics (formerly Invitae), Labcorp
Classification: Pathogenic. Last evaluated: 2025-11-24. Review status: criteria provided, single submitter. Criteria: Invitae Variant Classification Sherloc (09022015). Collection method: clinical testing. Allele origin: germline.
Comment: This sequence change creates a premature translational stop signal (p.Arg389*) in the TMC1 gene. It is expected to result in an absent or disrupted protein product. Loss-of-function variants in TMC1 are known to be pathogenic (PMID: 11850618, 22105175). This variant is present in population databases (rs151001642, gnomAD 0.01%). This premature translational stop signal has been observed in individuals with autosomal recessive non-syndromic hearing loss (PMID: 15605408, 18259073, 21917145). It has also been observed to segregate with disease in related individuals. ClinVar contains an entry for this variant (Variation ID: 47856). For these reasons, this variant has been classified as Pathogenic.

Blueprint Genetics
Classification: Pathogenic for TMC1-related disorders. Last evaluated: 2024-11-05. Review status: criteria provided, single submitter. Criteria: ACMG Guidelines, 2015. Collection method: clinical testing. Allele origin: germline. Affected: yes. Observed: 5 variant alleles.

Fulgent Genetics
Classification: Pathogenic for Autosomal recessive nonsyndromic hearing loss 7; Autosomal dominant nonsyndromic hearing loss 36. Last evaluated: 2024-02-06. Review status: criteria provided, single submitter. Criteria: ACMG Guidelines, 2015. Collection method: clinical testing. Allele origin: germline.

Clinical Genomics Laboratory, Washington University in St. Louis
Classification: Pathogenic for Autosomal recessive nonsyndromic hearing loss 7. Last evaluated: 2024-01-25. Review status: criteria provided, single submitter. Criteria: ACMG Guidelines, 2015. Collection method: clinical testing. Allele origin: germline.
Comment: The TMC1 c.1165C>T (p.Arg389Ter) variant has been reported in 19 individuals affected with autosomal recessive nonsyndromic hearing loss and is reported to segregate with disease in 14 individuals in 4 families (Brownstein Z et al., PMID: 21917145; Hilgert N et al., PMID: 18616530; Meyer CG et al., PMID: 15605408; Nishio SY and Usami SI, PMID: 34523024; Tlili A et al., PMID: 18259073). Of those individuals, seven were compound heterozygous for the variant and a pathogenic or likely pathogenic variant, confirmed in trans (Brownstein Z et al., PMID: 21917145; Meyer CG et al., PMID: 15605408) and 12 individuals were homozygous for the variant (Hilgert N et al., PMID: 18616530; Meyer CG et al., PMID: 15605408; Nishio SY and Usami SI, PMID: 34523024). This variant causes a stop gain, leading to a premature termination codon, which is predicted to lead to nonsense mediated decay. This variant is only observed on 19 out of 282,746 alleles in the general population (gnomAD v.2.1.1), indicating it is not a common variant. This variant has been reported in the ClinVar database as a germline pathogenic variant by five submitters. Based on available information and the ACMG/AMP guidelines for variant interpretation (Richards S et al., PMID: 25741868), this variant is classified as pathogenic.

Athena Diagnostics
Classification: Pathogenic. Last evaluated: 2020-07-23. Review status: criteria provided, single submitter. Criteria: Athena Diagnostics Criteria. Collection method: clinical testing. Allele origin: unknown.
Comment: The variant creates a premature nonsense codon, and is therefore predicted to result in the loss of a functional protein. Found in at least one patient with expected phenotype for this gene, and found in general population data at a frequency that is consistent with pathogenicity.

Eurofins Ntd Llc (ga)
Classification: Pathogenic. Last evaluated: 2017-01-17. Review status: criteria provided, single submitter. Criteria: EGL Classification Definitions 2015. Collection method: clinical testing. Allele origin: germline. Observed: 1 variant allele, 1 homozygote.

Laboratory for Molecular Medicine, Mass General Brigham Personalized Medicine
Classification: Pathogenic for Rare genetic deafness. Last evaluated: 2013-09-05. Review status: criteria provided, single submitter. Criteria: LMM Criteria. Collection method: clinical testing. Allele origin: germline. Inheritance: Autosomal recessive inheritance. Observed: 4 variant alleles.
Comment: The Arg389X variant in TMC1 has been reported in several individual with hearing loss (Hilgert 2008, Meyer 2005, Tlili 2008). All of these individuals were eith er homozygous or compound heterozygous and this variant segregated with hearing loss in several families. This nonsense variant leads to a premature termination codon at position 389, which is predicted to lead to a truncated or absent prot ein. In summary, this variant meets our criteria to be classified as pathogenic.

Literature cited by the submitters: PubMed 11850618 (cited by Labcorp Genetics (formerly Invitae), Labcorp); PubMed 22105175 (cited by Labcorp Genetics (formerly Invitae), Labcorp); PubMed 15605408 (cited by Labcorp Genetics (formerly Invitae), Labcorp and Laboratory for Molecular Medicine, Mass General Brigham Personalized Medicine); PubMed 18259073 (cited by 3 submitters); PubMed 21917145 (cited by Labcorp Genetics (formerly Invitae), Labcorp and Athena Diagnostics); PubMed 18616530 (cited by Athena Diagnostics and Laboratory for Molecular Medicine, Mass General Brigham Personalized Medicine); PubMed 29533536 (cited by Athena Diagnostics); PubMed 24933710 (cited by Athena Diagnostics); PubMed 24498627 (cited by Athena Diagnostics).

NM_138691.3(TMC1):c.1165C>T (p.Arg389Ter)

Gene: TMC1 (transmembrane channel like 1; plus strand). Cytogenetic location: 9q21.13.
Variant type: single nucleotide variant.
Coding change: c.1165C>T on transcript NM_138691.3 (MANE Select); coding-DNA position 1165, C replaced by T.
Protein change: p.Arg389Ter; replaces arginine 389 with a stop codon.
Molecular consequence: nonsense.
Genome position (GRCh38, 1-based): chr9:72,789,258, C>T. VCF-style: chr9-72789258-C-T. GRCh37 (hg19) VCF-style: chr9-75404174-C-T.
Other names: short protein forms R389*.
Identifiers: ClinVar variation 47856 (VCV000047856.31), dbSNP rs151001642, ClinGen allele CA261926.